The following is an entry in ClinVar:

NM_198904.4(GABRG2):c.1356T>C (p.Tyr452=)

Gene: GABRG2 (gamma-aminobutyric acid type A receptor subunit gamma2; plus strand). Cytogenetic location: 5q34.
Variant type: single nucleotide variant.
Coding change: c.1356T>C on transcript NM_198904.4 (MANE Select); coding-DNA position 1356, T replaced by C.
Protein change: p.Tyr452=; no amino-acid change (tyrosine 452 retained).
Molecular consequence: synonymous variant. On other transcripts: 3 prime UTR variant (1).
Genome position (GRCh38, 1-based): chr5:162,153,296, T>C. VCF-style: chr5-162153296-T-C. GRCh37 (hg19) VCF-style: chr5-161580302-T-C.
Other names: c.1332T>C, p.Tyr444= (NM_000816.3); c.1347T>C, p.Tyr449= (NM_001375339.1); c.*190T>C (NM_001375340.1); c.1353T>C, p.Tyr451= (NM_001375341.1); c.1329T>C, p.Tyr443= (NM_001375342.1); c.1452T>C, p.Tyr484= (NM_001375343.1); c.1395T>C, p.Tyr465= (NM_001375344.1); c.1266T>C, p.Tyr422= (NM_001375345.1); and 6 more.
Identifiers: ClinVar variation 1141187 (VCV001141187.38), dbSNP rs762386331, ClinGen allele CA3544995.

ClinVar aggregate classification (germline): Likely benign. Review status: criteria provided, multiple submitters, no conflicts (2 of 4 stars). 5 submissions from 5 submitters: Likely benign (5). Last evaluated 2025-05-16.

Conditions:
Inborn genetic diseases. Identifiers: MedGen C0950123, MeSH D030342.
Febrile seizures, familial, 8 (FEB8). Also called: CONVULSIONS, FAMILIAL FEBRILE, 8. Identifiers: Orphanet 36387, MedGen C1969810, MONDO:0011891, OMIM 607681.
EPILEPSY, CHILDHOOD ABSENCE, SUSCEPTIBILITY TO, 2 (ECA2). Identifiers: Orphanet 64280, MedGen C1843244, OMIM 607681.

Allele frequency attached by ClinVar (database versions not stated): gnomAD exomes 0.00004 and 0.00005; ExAC 0.00006; TOPMed 0.00007; gnomAD 0.00009.
gnomAD v4.1: 78 of 1,613,966 alleles (0.0048%); highest among the groups gnomAD compares: Middle Eastern, 0.033%; no homozygotes.

Submissions (5):

Labcorp Genetics (formerly Invitae), Labcorp
Classification: Likely benign for Febrile seizures, familial, 8; EPILEPSY, CHILDHOOD ABSENCE, SUSCEPTIBILITY TO, 2. Last evaluated: 2025-05-16. Review status: criteria provided, single submitter. Criteria: Invitae Variant Classification Sherloc (09022015). Collection method: clinical testing. Allele origin: germline.

CeGaT Center for Human Genetics Tuebingen
Classification: Likely benign. Last evaluated: 2024-12-01. Review status: criteria provided, single submitter. Criteria: CeGaT Center For Human Genetics Tuebingen Variant Classification Criteria Version 2. Collection method: clinical testing. Allele origin: germline. Affected: yes. Observed: 2 variant alleles.
Comment: GABRG2: BP4, BP7

Blueprint Genetics
Classification: Likely benign. Last evaluated: 2024-11-01. Review status: criteria provided, single submitter. Criteria: ACMG Guidelines, 2015. Collection method: clinical testing. Allele origin: germline.

Revvity Omics, Revvity
Classification: Likely benign. Last evaluated: 2023-11-01. Review status: criteria provided, single submitter. Criteria: ACMG Guidelines, 2015. Collection method: clinical testing. Allele origin: germline.

Ambry Genetics
Classification: Likely benign for Inborn genetic diseases. Last evaluated: 2019-07-30. Review status: criteria provided, single submitter. Criteria: Ambry Variant Classification Scheme 2023. Collection method: clinical testing. Allele origin: germline.